The following is an entry in ClinVar:

ClinVar aggregate classification (germline): Uncertain significance (1 of 4 stars; one submission).

Conditions:
RAI1-related disorder. Also called: RAI1-related condition.

gnomAD v4.1: 6 of 1,614,052 alleles (0.00037%); highest among the groups gnomAD compares: Non-Finnish European, 0.00051%; no homozygotes.

Submission:

PreventionGenetics, part of Exact Sciences
Classification: Uncertain significance for RAI1-related condition. Last evaluated: 2026-05-16. Review status: criteria provided, single submitter. Criteria: ACMG Guidelines, 2015. Collection method: clinical testing. Allele origin: germline.
Comment: The RAI1 c.2141T>C variant is predicted to result in the amino acid substitution p.Leu714Pro. To our knowledge, this variant has not been reported in the literature. This variant is reported in 0.00088% of alleles in individuals of European (Non-Finnish) descent in gnomAD. At this time, the clinical significance of this variant is uncertain due to the absence of conclusive functional and genetic evidence.

NM_030665.4(RAI1):c.2141T>C (p.Leu714Pro)

Gene: RAI1 (retinoic acid induced 1; plus strand). Cytogenetic location: 17p11.2.
Variant type: single nucleotide variant.
Coding change: c.2141T>C on transcript NM_030665.4 (MANE Select); coding-DNA position 2141, T replaced by C.
Protein change: p.Leu714Pro; replaces leucine 714 with proline.
Molecular consequence: missense variant.
Genome position (GRCh38, 1-based): chr17:17,795,089, T>C. VCF-style: chr17-17795089-T-C. GRCh37 (hg19) VCF-style: chr17-17698403-T-C.
Other names: short protein forms L714P.
Identifiers: ClinVar variation 4999058 (VCV004999058.1).